The following is an entry in ClinVar:

NM_006766.5(KAT6A):c.4342G>A (p.Glu1448Lys)

Gene: KAT6A (lysine acetyltransferase 6A; minus strand). Cytogenetic location: 8p11.21.
Variant type: single nucleotide variant.
Coding change: c.4342G>A on transcript NM_006766.5 (MANE Select); coding-DNA position 4342, G replaced by A.
Protein change: p.Glu1448Lys; replaces glutamic acid 1448 with lysine.
Molecular consequence: missense variant.
Genome position (GRCh38, 1-based): chr8:41,933,878, C>T on the plus strand (G>A on the coding strand, the complement: KAT6A is on the minus strand). VCF-style: chr8-41933878-C-T. GRCh37 (hg19) VCF-style: chr8-41791396-C-T.
Other names: short protein forms E1448K.
Identifiers: ClinVar variation 2577642 (VCV002577642.1), dbSNP rs2486755247, ClinGen allele CA371066068.

ClinVar aggregate classification (germline): Uncertain significance (1 of 4 stars; one submission).

Submission:

GeneDx
Classification: Uncertain significance. Last evaluated: 2023-02-24. Review status: criteria provided, single submitter. Criteria: GeneDx Variant Classification Process June 2021. Collection method: clinical testing. Allele origin: germline. Affected: yes.
Comment: Not observed at significant frequency in large population cohorts (gnomAD); In silico analysis supports that this missense variant has a deleterious effect on protein structure/function; Has not been previously published as pathogenic or benign to our knowledge